The following is an entry in ClinVar:

NM_000530.8(MPZ):c.147C>G (p.His49Gln)

Gene: MPZ (myelin protein zero; minus strand). Cytogenetic location: 1q23.3.
Variant type: single nucleotide variant.
Coding change: c.147C>G on transcript NM_000530.8 (MANE Select); coding-DNA position 147, C replaced by G.
Protein change: p.His49Gln; replaces histidine 49 with glutamine.
Molecular consequence: missense variant.
Genome position (GRCh38, 1-based): chr1:161,307,345, G>C on the plus strand (C>G on the coding strand, the complement: MPZ is on the minus strand). VCF-style: chr1-161307345-G-C. GRCh37 (hg19) VCF-style: chr1-161277135-G-C.
Other names: c.147C>G, p.His49Gln (NM_001315491.2); short protein forms H49Q.
Identifiers: ClinVar variation 3906803 (VCV003906803.2).

ClinVar aggregate classification (germline): Uncertain significance (1 of 4 stars; one submission).

gnomAD v4.1: 1 of 1,614,162 alleles (0.000062%); no homozygotes.

Submission:

GeneDx
Classification: Uncertain significance. Last evaluated: 2025-10-21. Review status: criteria provided, single submitter. Criteria: GeneDx Variant Classification Process June 2021. Collection method: clinical testing. Allele origin: germline.
Comment: Not observed at significant frequency in large population cohorts (gnomAD); Missense variants in this gene are a common cause of disease and they are underrepresented in the general population; In silico analysis suggests that this missense variant does not alter protein structure/function; Has not been previously published as pathogenic or benign to our knowledge; This variant is associated with the following publications: (PMID: 26310628, 20461396)